The following is an entry in ClinVar:

ClinVar aggregate classification (germline): Uncertain significance (1 of 4 stars; one submission).

Allele frequency attached by ClinVar (database versions not stated): gnomAD exomes below 0.00001; gnomAD 0.00002.
gnomAD v4.1: 4 of 1,613,748 alleles (0.00025%); highest among the groups gnomAD compares: Admixed American, 0.0033%; no homozygotes.

Submission:

Labcorp Genetics (formerly Invitae), Labcorp
Classification: Uncertain significance. Last evaluated: 2022-04-16. Review status: criteria provided, single submitter. Criteria: Invitae Variant Classification Sherloc (09022015). Collection method: clinical testing. Allele origin: germline.
Comment: In summary, the available evidence is currently insufficient to determine the role of this variant in disease. Therefore, it has been classified as a Variant of Uncertain Significance. Algorithms developed to predict the effect of missense changes on protein structure and function (SIFT, PolyPhen-2, Align-GVGD) all suggest that this variant is likely to be tolerated. This variant has not been reported in the literature in individuals affected with DDX58-related conditions. This variant is present in population databases (no rsID available, gnomAD 0.007%). This sequence change replaces tryptophan, which is neutral and slightly polar, with arginine, which is basic and polar, at codon 771 of the DDX58 protein (p.Trp771Arg).

NM_014314.4(RIGI):c.2311T>C (p.Trp771Arg)

Gene: RIGI (RNA sensor RIG-I; minus strand). Cytogenetic location: 9p21.1.
Variant type: single nucleotide variant.
Coding change: c.2311T>C on transcript NM_014314.4 (MANE Select); coding-DNA position 2311, T replaced by C.
Protein change: p.Trp771Arg; replaces tryptophan 771 with arginine.
Molecular consequence: missense variant.
Genome position (GRCh38, 1-based): chr9:32,466,316, A>G on the plus strand (T>C on the coding strand, the complement: RIGI is on the minus strand). VCF-style: chr9-32466316-A-G. GRCh37 (hg19) VCF-style: chr9-32466314-A-G.
Other names: c.2305T>C, p.Trp769Arg (NM_001385907.1); c.2140T>C, p.Trp714Arg (NM_001385909.1); c.1870T>C, p.Trp624Arg (NM_001385910.1); c.1702T>C, p.Trp568Arg (NM_001385912.1); c.2296T>C, p.Trp766Arg (NM_001385913.1); c.1867T>C, p.Trp623Arg (NM_001385914.1); short protein forms W623R, W714R, W568R, W771R, W766R, W769R, W624R.
Identifiers: ClinVar variation 1949209 (VCV001949209.5), dbSNP rs1281527271, ClinGen allele CA373145431.